The following is an entry in ClinVar:

NM_000553.6(WRN):c.4201G>A (p.Ala1401Thr)

Genes: WRN (WRN RecQ like helicase; plus strand), LOC126860342 (MED14-independent group 3 enhancer GRCh37_chr8:31029565-31030764; plus strand). Cytogenetic location: 8p12.
Variant type: single nucleotide variant.
Coding change: c.4201G>A on transcript NM_000553.6 (MANE Select); coding-DNA position 4201, G replaced by A.
Protein change: p.Ala1401Thr; replaces alanine 1401 with threonine.
Molecular consequence: missense variant.
Genome position (GRCh38, 1-based): chr8:31,173,004, G>A. VCF-style: chr8-31173004-G-A. GRCh37 (hg19) VCF-style: chr8-31030520-G-A.
Other names: short protein forms A1401T.
Identifiers: ClinVar variation 2051482 (VCV002051482.4), dbSNP rs1804160219, ClinGen allele CA370911538.

ClinVar aggregate classification (germline): Uncertain significance (1 of 4 stars; one submission).

Conditions:
Werner syndrome (WRN). Identifiers: Orphanet 902, MedGen C0043119, MONDO:0010196, OMIM 277700.

Allele frequency attached by ClinVar (database versions not stated): gnomAD 0.00001; TOPMed 0.00001.
gnomAD v4.1: 1 of 1,613,672 alleles (0.000062%); highest among the groups gnomAD compares: Non-Finnish European, 0.000085%; no homozygotes.

Submission:

Labcorp Genetics (formerly Invitae), Labcorp
Classification: Uncertain significance for Werner syndrome. Last evaluated: 2022-04-25. Review status: criteria provided, single submitter. Criteria: Invitae Variant Classification Sherloc (09022015). Collection method: clinical testing. Allele origin: germline.
Comment: This sequence change replaces alanine, which is neutral and non-polar, with threonine, which is neutral and polar, at codon 1401 of the WRN protein (p.Ala1401Thr). This variant is not present in population databases (gnomAD no frequency). This variant has not been reported in the literature in individuals affected with WRN-related conditions. Algorithms developed to predict the effect of missense changes on protein structure and function are either unavailable or do not agree on the potential impact of this missense change (SIFT: "Not Available"; PolyPhen-2: "Benign"; Align-GVGD: "Not Available"). In summary, the available evidence is currently insufficient to determine the role of this variant in disease. Therefore, it has been classified as a Variant of Uncertain Significance.